The following is an entry in ClinVar:

NM_000185.4(SERPIND1):c.285C>T (p.Ile95=)

Genes: PI4KA (phosphatidylinositol 4-kinase alpha; minus strand), SERPIND1 (serpin family D member 1; plus strand). Cytogenetic location: 22q11.21.
Variant type: single nucleotide variant.
Coding change: c.285C>T on transcript NM_000185.4 (MANE Select); coding-DNA position 285, C replaced by T.
Protein change: p.Ile95=; no amino-acid change (isoleucine 95 retained).
Molecular consequence: synonymous variant. On other transcripts: intron variant (3).
Genome position (GRCh38, 1-based): chr22:20,779,597, C>T. VCF-style: chr22-20779597-C-T. GRCh37 (hg19) VCF-style: chr22-21133885-C-T.
Other names: c.2262+13596G>A (NM_001362863.2); c.2328+13596G>A (NM_001362862.2, NM_058004.4).
Identifiers: ClinVar variation 1269862 (VCV001269862.4), dbSNP rs5906, ClinGen allele CA10115849.

ClinVar aggregate classification (germline): Benign. Review status: criteria provided, multiple submitters, no conflicts (2 of 4 stars). 3 submissions from 3 submitters: Benign (2). 1 of the submissions does not count toward it. Last evaluated 2021-05-17.

Conditions:
SERPIND1-related disorder. Also called: SERPIND1-related condition.

Allele frequency attached by ClinVar (database versions not stated): ESP Exome Variant Server 0.00454; gnomAD 0.00528 and 0.00589; ExAC 0.00721; gnomAD exomes 0.00741; 1000 Genomes Project 30x 0.01374; 1000 Genomes Project 0.01398.
gnomAD v4.1: 9,444 of 1,614,172 alleles (0.59%); highest among the groups gnomAD compares: East Asian, 4.8%; 78 homozygotes.

Submissions (3):

GeneDx
Classification: Benign. Last evaluated: 2021-05-17. Review status: criteria provided, single submitter. Criteria: GeneDx Variant Classification Process June 2021. Collection method: clinical testing. Allele origin: germline. Affected: yes.

Breakthrough Genomics
Classification: Benign. Review status: criteria provided, single submitter. Criteria: ACMG Guidelines, 2015. Collection method: not provided. Allele origin: germline. Inheritance: Autosomal recessive inheritance. Affected: yes.

PreventionGenetics, part of Exact Sciences
Classification: Benign for SERPIND1-related condition. Last evaluated: 2020-02-14. Review status: no assertion criteria provided. Collection method: clinical testing. Allele origin: germline. Not counted in ClinVar's aggregate classification.
Comment: This variant is classified as benign based on ACMG/AMP sequence variant interpretation guidelines (Richards et al. 2015 PMID: 25741868, with internal and published modifications).